The following is an entry in ClinVar:

ClinVar aggregate classification (germline): Uncertain significance (1 of 4 stars; one submission).

Submission:

GeneDx
Classification: Uncertain significance. Last evaluated: 2025-03-10. Review status: criteria provided, single submitter. Criteria: GeneDx Variant Classification Process June 2021. Collection method: clinical testing. Allele origin: germline. Affected: yes.
Comment: Not observed at significant frequency in large population cohorts (gnomAD); In silico analysis indicates that this missense variant does not alter protein structure/function; Has not been previously published as pathogenic or benign to our knowledge

NM_020732.3:c.6587G>C

Gene: ARID1B (AT-rich interaction domain 1B; plus strand).
Variant type: single nucleotide variant.
Other names: c.6587G>C (NM_020732.3).
Identifiers: ClinVar variation 4083241 (VCV004083241.1).